The following is an entry in ClinVar:

NM_000188.3(HK1):c.1610A>G (p.Asn537Ser)

Gene: HK1 (hexokinase 1; plus strand). Cytogenetic location: 10q22.1.
Variant type: single nucleotide variant.
Coding change: c.1610A>G on transcript NM_000188.3 (MANE Select); coding-DNA position 1610, A replaced by G.
Protein change: p.Asn537Ser; replaces asparagine 537 with serine.
Molecular consequence: missense variant.
Genome position (GRCh38, 1-based): chr10:69,384,372, A>G. VCF-style: chr10-69384372-A-G. GRCh37 (hg19) VCF-style: chr10-71144128-A-G.
Other names: c.1622A>G, p.Asn541Ser (NM_001322364.2, NM_001358263.1, NM_033497.3 and 1 more transcripts); c.1715A>G, p.Asn572Ser (NM_001322365.2); c.1526A>G, p.Asn509Ser (NM_001322366.1); c.1514A>G, p.Asn505Ser (NM_001322367.1); c.1607A>G, p.Asn536Ser (NM_033496.3); c.1574A>G, p.Asn525Ser (NM_033500.2); short protein forms N572S, N536S, N509S, N537S, N505S, N525S, N541S.
Identifiers: ClinVar variation 2104850 (VCV002104850.5), dbSNP rs2540429484, ClinGen allele CA376911111.

ClinVar aggregate classification (germline): Uncertain significance. Review status: criteria provided, multiple submitters, no conflicts (2 of 4 stars). 2 submissions from 2 submitters: Uncertain significance (2). Last evaluated 2026-03-22.

Conditions:
Neurodevelopmental disorder with visual defects and brain anomalies. Identifiers: MedGen C5231404, MONDO:0032807, OMIM 618547.

Submissions (2):

Clinical Genomics Laboratory, Washington University in St. Louis
Classification: Uncertain significance for Neurodevelopmental disorder with visual defects and brain anomalies. Last evaluated: 2026-03-22. Review status: criteria provided, single submitter. Criteria: ACMG Guidelines, 2015. Collection method: clinical testing. Allele origin: germline.
Comment: The HK1 c.1610A>G (p.Asn537Ser) variant, to our knowledge, has not been reported in the medical literature. This variant is absent from the general population (gnomAD v2.1.1), indicating it is not a common variant. Computational predictors indicate that the variant is damaging, evidence that correlates with impact to HK1 function. This variant has been reported in the ClinVar database as a germline variant of uncertain significance by a single submitter. Due to limited information, and based on ACMG/AMP guidelines for variant interpretation (Richards S et al., PMID: 25741868), the clinical significance of this variant is uncertain at this time.

Labcorp Genetics (formerly Invitae), Labcorp
Classification: Uncertain significance. Last evaluated: 2022-02-28. Review status: criteria provided, single submitter. Criteria: Invitae Variant Classification Sherloc (09022015). Collection method: clinical testing. Allele origin: germline.
Comment: This variant has not been reported in the literature in individuals affected with HK1-related conditions. Algorithms developed to predict the effect of missense changes on protein structure and function are either unavailable or do not agree on the potential impact of this missense change (SIFT: "Deleterious"; PolyPhen-2: "Benign"; Align-GVGD: "Class C0"). In summary, the available evidence is currently insufficient to determine the role of this variant in disease. Therefore, it has been classified as a Variant of Uncertain Significance. This sequence change replaces asparagine, which is neutral and polar, with serine, which is neutral and polar, at codon 537 of the HK1 protein (p.Asn537Ser). This variant is not present in population databases (gnomAD no frequency).